The following is an entry in ClinVar:

NM_001271803.2(REEP2):c.524G>A (p.Arg175Gln)

Gene: REEP2 (receptor accessory protein 2; plus strand). Cytogenetic location: 5q31.2.
Variant type: single nucleotide variant.
Coding change: c.524G>A on transcript NM_001271803.2 (MANE Select); coding-DNA position 524, G replaced by A.
Protein change: p.Arg175Gln; replaces arginine 175 with glutamine.
Molecular consequence: missense variant. On other transcripts: non-coding transcript variant (2).
Genome position (GRCh38, 1-based): chr5:138,445,334, G>A. VCF-style: chr5-138445334-G-A. GRCh37 (hg19) VCF-style: chr5-137781023-G-A.
Other names: c.518G>A (NM_016606.2); c.518G>A, p.Arg173Gln (NM_016606.4); short protein forms R173Q, R175Q.
Identifiers: ClinVar variation 855522 (VCV000855522.13), dbSNP rs199638172, ClinGen allele CA3429845.

ClinVar aggregate classification (germline): Uncertain significance. Review status: criteria provided, multiple submitters, no conflicts (2 of 4 stars). 4 submissions from 4 submitters: Uncertain significance (3). 1 of the submissions does not count toward it. Last evaluated 2024-04-17.

Conditions:
Inborn genetic diseases. Identifiers: MedGen C0950123, MeSH D030342.
Hereditary spastic paraplegia 72 (SPG72A). Also called: Spastic paraplegia 72, autosomal recessive. Identifiers: Orphanet 401849, MedGen C5882669, MONDO:0014282, OMIM 615625.

Allele frequency attached by ClinVar (database versions not stated): ExAC 0.00004; gnomAD exomes 0.00004 and 0.00006; gnomAD 0.00006; ESP Exome Variant Server 0.00008; TOPMed 0.00008.
gnomAD v4.1: 74 of 1,613,466 alleles (0.0046%); highest among the groups gnomAD compares: Admixed American, 0.0033%; no homozygotes.

Submissions (4):

Labcorp Genetics (formerly Invitae), Labcorp
Classification: Uncertain significance for Hereditary spastic paraplegia 72. Last evaluated: 2024-04-17. Review status: criteria provided, single submitter. Criteria: Invitae Variant Classification Sherloc (09022015). Collection method: clinical testing. Allele origin: germline.
Comment: This sequence change replaces arginine, which is basic and polar, with glutamine, which is neutral and polar, at codon 175 of the REEP2 protein (p.Arg175Gln). This variant is present in population databases (rs199638172, gnomAD 0.1%). This variant has not been reported in the literature in individuals affected with REEP2-related conditions. ClinVar contains an entry for this variant (Variation ID: 855522). Algorithms developed to predict the effect of missense changes on protein structure and function output the following: SIFT: "Not Available"; PolyPhen-2: "Benign"; Align-GVGD: "Not Available". The glutamine amino acid residue is found in multiple mammalian species, which suggests that this missense change does not adversely affect protein function. In summary, the available evidence is currently insufficient to determine the role of this variant in disease. Therefore, it has been classified as a Variant of Uncertain Significance.

Ambry Genetics
Classification: Uncertain significance for Inborn genetic diseases. Last evaluated: 2022-04-22. Review status: criteria provided, single submitter. Criteria: Ambry Variant Classification Scheme 2023. Collection method: clinical testing. Allele origin: germline.

Breakthrough Genomics
Classification: Uncertain significance. Review status: criteria provided, single submitter. Criteria: ACMG Guidelines, 2015. Collection method: not provided. Allele origin: germline. Inheritance: Autosomal recessive inheritance. Affected: yes.

Department of Pathology and Laboratory Medicine, Sinai Health System
Classification: Uncertain significance. Review status: no assertion criteria provided. Collection method: clinical testing. Allele origin: unknown. Affected: yes. Study: The Canadian Open Genetics Repository (COGR). Not counted in ClinVar's aggregate classification.